The following is an entry in ClinVar:

NM_003803.4(MYOM1):c.3536A>G (p.Glu1179Gly)

Gene: MYOM1 (myomesin 1; minus strand). Cytogenetic location: 18p11.31.
Variant type: single nucleotide variant.
Coding change: c.3536A>G on transcript NM_003803.4 (MANE Select); coding-DNA position 3536, A replaced by G.
Protein change: p.Glu1179Gly; replaces glutamic acid 1179 with glycine.
Molecular consequence: missense variant.
Genome position (GRCh38, 1-based): chr18:3,102,513, T>C on the plus strand (A>G on the coding strand, the complement: MYOM1 is on the minus strand). VCF-style: chr18-3102513-T-C. GRCh37 (hg19) VCF-style: chr18-3102511-T-C.
Other names: c.3248A>G, p.Glu1083Gly (NM_019856.2); short protein forms E1179G, E1083G.
Identifiers: ClinVar variation 1732400 (VCV001732400.3), dbSNP rs2510547664, ClinGen allele CA401703236.

ClinVar aggregate classification (germline): Uncertain significance. Review status: criteria provided, multiple submitters, no conflicts (2 of 4 stars). 2 submissions from 2 submitters: Uncertain significance (2). Last evaluated 2026-01-14.

Conditions:
Hypertrophic cardiomyopathy. Also called: HYPERTROPHIC MYOCARDIOPATHY. Identifiers: Orphanet 217569, MedGen C0007194, MeSH D002312, MONDO:0005045, HP:0001639.

Allele frequency attached by ClinVar (database versions not stated): gnomAD exomes below 0.00001.
gnomAD v4.1: 5 of 1,613,874 alleles (0.00031%); highest among the groups gnomAD compares: Non-Finnish European, 0.00042%; no homozygotes.

Submissions (2):

Labcorp Genetics (formerly Invitae), Labcorp
Classification: Uncertain significance for Hypertrophic cardiomyopathy. Last evaluated: 2026-01-14. Review status: criteria provided, single submitter. Criteria: Invitae Variant Classification Sherloc (09022015). Collection method: clinical testing. Allele origin: germline.
Comment: This sequence change replaces glutamic acid, which is acidic and polar, with glycine, which is neutral and non-polar, at codon 1179 of the MYOM1 protein (p.Glu1179Gly). This variant is not present in population databases (gnomAD no frequency). This variant has not been reported in the literature in individuals affected with MYOM1-related conditions. ClinVar contains an entry for this variant (Variation ID: 1732400). Invitae Evidence Modeling of protein sequence and biophysical properties (such as structural, functional, and spatial information, amino acid conservation, physicochemical variation, residue mobility, and thermodynamic stability) indicates that this missense variant is not expected to disrupt MYOM1 protein function with a negative predictive value of 80%. In summary, the available evidence is currently insufficient to determine the role of this variant in disease. Therefore, it has been classified as a Variant of Uncertain Significance.

Ambry Genetics
Classification: Uncertain significance. Last evaluated: 2022-10-11. Review status: criteria provided, single submitter. Criteria: Ambry Variant Classification Scheme 2023. Collection method: clinical testing. Allele origin: germline.
Comment: The p.E1179G variant (also known as c.3536A>G), located in coding exon 22 of the MYOM1 gene, results from an A to G substitution at nucleotide position 3536. The glutamic acid at codon 1179 is replaced by glycine, an amino acid with similar properties. This amino acid position is conserved. In addition, this alteration is predicted to be tolerated by in silico analysis. Since supporting evidence is limited at this time, the clinical significance of this alteration remains unclear.